The following is an entry in ClinVar:

NM_001170700.3(DTHD1):c.1154A>C (p.Asp385Ala)

Gene: DTHD1 (death domain containing 1; plus strand). Cytogenetic location: 4p14.
Variant type: single nucleotide variant.
Coding change: c.1154A>C on transcript NM_001170700.3 (MANE Select); coding-DNA position 1154, A replaced by C.
Protein change: p.Asp385Ala; replaces aspartic acid 385 with alanine.
Molecular consequence: missense variant. On other transcripts: non-coding transcript variant (2).
Genome position (GRCh38, 1-based): chr4:36,290,639, A>C. VCF-style: chr4-36290639-A-C. GRCh37 (hg19) VCF-style: chr4-36292261-A-C.
Other names: c.284A>C, p.Asp95Ala (NM_001136536.5, NM_001378435.1); short protein forms D385A, D95A.
Identifiers: ClinVar variation 1714019 (VCV001714019.5), dbSNP rs1274655498, ClinGen allele CA356679159.

ClinVar aggregate classification (germline): Uncertain significance (1 of 4 stars; one submission).

Submission:

Labcorp Genetics (formerly Invitae), Labcorp
Classification: Uncertain significance. Last evaluated: 2022-08-12. Review status: criteria provided, single submitter. Criteria: Invitae Variant Classification Sherloc (09022015). Collection method: clinical testing. Allele origin: germline.
Comment: This sequence change replaces aspartic acid, which is acidic and polar, with alanine, which is neutral and non-polar, at codon 95 of the DTHD1 protein (p.Asp95Ala). In summary, the available evidence is currently insufficient to determine the role of this variant in disease. Therefore, it has been classified as a Variant of Uncertain Significance. Algorithms developed to predict the effect of missense changes on protein structure and function are either unavailable or do not agree on the potential impact of this missense change (SIFT: "Deleterious"; PolyPhen-2: "Probably Damaging"; Align-GVGD: "Class C0"). This variant has not been reported in the literature in individuals affected with DTHD1-related conditions. This variant is not present in population databases (gnomAD no frequency).